The following is an entry in ClinVar:

NM_006947.4(SRP72):c.1245G>A (p.Met415Ile)

Gene: SRP72 (signal recognition particle 72; plus strand). Cytogenetic location: 4q12.
Variant type: single nucleotide variant.
Coding change: c.1245G>A on transcript NM_006947.4 (MANE Select); coding-DNA position 1245, G replaced by A.
Protein change: p.Met415Ile; replaces methionine 415 with isoleucine.
Molecular consequence: missense variant. On other transcripts: non-coding transcript variant (1).
Genome position (GRCh38, 1-based): chr4:56,489,408, G>A. VCF-style: chr4-56489408-G-A. GRCh37 (hg19) VCF-style: chr4-57355574-G-A.
Other names: c.1062G>A, p.Met354Ile (NM_001267722.2); short protein forms M354I, M415I.
Identifiers: ClinVar variation 2633955 (VCV002633955.2), dbSNP rs926204089, ClinGen allele CA97606388.

ClinVar aggregate classification (germline): Uncertain significance. Review status: criteria provided, multiple submitters, no conflicts (2 of 4 stars). 2 submissions from 2 submitters: Uncertain significance (2). Last evaluated 2025-06-14.

Conditions:
SRP72-related disorder. Also called: SRP72-related condition.

Allele frequency attached by ClinVar (database versions not stated): gnomAD exomes below 0.00001.
gnomAD v4.1: 1 of 1,598,726 alleles (0.000063%); highest among the groups gnomAD compares: Non-Finnish European, 0.000086%; no homozygotes.

Submissions (2):

Ambry Genetics
Classification: Uncertain significance. Last evaluated: 2025-06-14. Review status: criteria provided, single submitter. Criteria: Ambry Variant Classification Scheme 2023. Collection method: clinical testing. Allele origin: germline.
Comment: The p.M415I variant (also known as c.1245G>A), located in coding exon 13 of the SRP72 gene, results from a G to A substitution at nucleotide position 1245. The methionine at codon 415 is replaced by isoleucine, an amino acid with highly similar properties. This amino acid position is conserved. In addition, this alteration is predicted to be deleterious by in silico analysis. Based on the available evidence, the clinical significance of this variant remains unclear.

PreventionGenetics, part of Exact Sciences
Classification: Uncertain significance for SRP72-related condition. Last evaluated: 2023-10-10. Review status: criteria provided, single submitter. Criteria: ACMG Guidelines, 2015. Collection method: clinical testing. Allele origin: germline.
Comment: The SRP72 c.1245G>A variant is predicted to result in the amino acid substitution p.Met415Ile. To our knowledge, this variant has not been reported in the literature or in a large population database, indicating this variant is rare. At this time, the clinical significance of this variant is uncertain due to the absence of conclusive functional and genetic evidence.